The following is an entry in ClinVar:

NM_198586.3(NHLRC1):c.361G>A (p.Gly121Ser)

Gene: NHLRC1 (NHL repeat containing E3 ubiquitin protein ligase 1; minus strand). Cytogenetic location: 6p22.3.
Variant type: single nucleotide variant.
Coding change: c.361G>A on transcript NM_198586.3 (MANE Select); coding-DNA position 361, G replaced by A.
Protein change: p.Gly121Ser; replaces glycine 121 with serine.
Molecular consequence: missense variant.
Genome position (GRCh38, 1-based): chr6:18,122,246, C>T on the plus strand (G>A on the coding strand, the complement: NHLRC1 is on the minus strand). VCF-style: chr6-18122246-C-T. GRCh37 (hg19) VCF-style: chr6-18122477-C-T.
Other names: short protein forms G121S.
Identifiers: ClinVar variation 933637 (VCV000933637.13), dbSNP rs780082503, ClinGen allele CA3650007.

ClinVar aggregate classification (germline): Conflicting classifications of pathogenicity. Review status: criteria provided, conflicting classifications (1 of 4 stars). 3 submissions from 3 submitters: Pathogenic (1); Likely pathogenic (1); Uncertain significance (1). Last evaluated 2025-07-03.

Conditions:
Myoclonic epilepsy of Lafora 2. Also called: NHLRC1-Related Lafora Disease; Epilepsy, progressive myoclonic 2B (Lafora); LAFORA DISEASE 2; EPILEPSY, PROGRESSIVE MYOCLONIC, 2B. Identifiers: MedGen C1850764, MONDO:0800306, OMIM 620681.
Lafora disease. Also called: Epilepsy progressive myoclonic 2; Progressive Myoclonus Epilepsy, Lafora Type. Identifiers: Orphanet 501, MedGen C0751783, MONDO:0009697.

Allele frequency attached by ClinVar (database versions not stated): gnomAD exomes below 0.00001; ExAC 0.00001; gnomAD 0.00002; TOPMed 0.00003.

Submissions (3):

Institute of Human Genetics, University of Leipzig Medical Center
Classification: Likely pathogenic for Myoclonic epilepsy of Lafora 2. Last evaluated: 2025-07-03. Review status: criteria provided, single submitter. Criteria: ACMG Guidelines, 2015. Collection method: clinical testing. Allele origin: maternal. Inheritance: Autosomal recessive inheritance. Affected: yes.
Comment: Criteria applied: PM3_STR,PM2,PP3

Labcorp Genetics (formerly Invitae), Labcorp
Classification: Pathogenic for Lafora disease. Last evaluated: 2024-12-02. Review status: criteria provided, single submitter. Criteria: Invitae Variant Classification Sherloc (09022015). Collection method: clinical testing. Allele origin: germline.
Comment: This sequence change replaces glycine, which is neutral and non-polar, with serine, which is neutral and polar, at codon 121 of the NHLRC1 protein (p.Gly121Ser). This variant is present in population databases (rs780082503, gnomAD 0.002%). This missense change has been observed in individual(s) with progressive myoclonic epilepsy (PMID: 25270369, 29588937). In at least one individual the data is consistent with being in trans (on the opposite chromosome) from a pathogenic variant. ClinVar contains an entry for this variant (Variation ID: 933637). Invitae Evidence Modeling of protein sequence and biophysical properties (such as structural, functional, and spatial information, amino acid conservation, physicochemical variation, residue mobility, and thermodynamic stability) indicates that this missense variant is expected to disrupt NHLRC1 protein function with a positive predictive value of 95%. For these reasons, this variant has been classified as Pathogenic.

Blueprint Genetics
Classification: Uncertain significance. Last evaluated: 2024-11-07. Review status: criteria provided, single submitter. Criteria: ACMG Guidelines, 2015. Collection method: clinical testing. Allele origin: germline.

Literature cited by the submitters: PubMed 25270369 (cited by Labcorp Genetics (formerly Invitae), Labcorp); PubMed 29588937 (cited by Labcorp Genetics (formerly Invitae), Labcorp).